The following is an entry in ClinVar:

NM_001184.4(ATR):c.2196C>G (p.Phe732Leu)

Gene: ATR (ATR checkpoint kinase; minus strand). Cytogenetic location: 3q23.
Variant type: single nucleotide variant.
Coding change: c.2196C>G on transcript NM_001184.4 (MANE Select); coding-DNA position 2196, C replaced by G.
Protein change: p.Phe732Leu; replaces phenylalanine 732 with leucine.
Molecular consequence: missense variant.
Genome position (GRCh38, 1-based): chr3:142,556,022, G>C on the plus strand (C>G on the coding strand, the complement: ATR is on the minus strand). VCF-style: chr3-142556022-G-C. GRCh37 (hg19) VCF-style: chr3-142274864-G-C.
Other names: c.2004C>G, p.Phe668Leu (NM_001354579.2); short protein forms F668L, F732L.
Identifiers: ClinVar variation 2561337 (VCV002561337.2), dbSNP rs904124330, ClinGen allele CA84748330.

ClinVar aggregate classification (germline): Uncertain significance (1 of 4 stars; one submission).

Conditions:
Inborn genetic diseases. Identifiers: MedGen C0950123, MeSH D030342.

Allele frequency attached by ClinVar (database versions not stated): TOPMed below 0.00001; gnomAD 0.00001; gnomAD exomes 0.00001.
gnomAD v4.1: 10 of 1,613,916 alleles (0.00062%); highest among the groups gnomAD compares: Admixed American, 0.0017%; no homozygotes.

Submission:

Ambry Genetics
Classification: Uncertain significance for Inborn genetic diseases. Last evaluated: 2023-04-01. Review status: criteria provided, single submitter. Criteria: Ambry Variant Classification Scheme 2023. Collection method: clinical testing. Allele origin: germline.
Comment: The p.F732L variant (also known as c.2196C>G), located in coding exon 10 of the ATR gene, results from a C to G substitution at nucleotide position 2196. The phenylalanine at codon 732 is replaced by leucine, an amino acid with highly similar properties. This amino acid position is conserved. In addition, this alteration is predicted to be tolerated by in silico analysis. Since supporting evidence is limited at this time, the clinical significance of this alteration remains unclear.